The following is an entry in ClinVar:

NM_000387.6(SLC25A20):c.584A>G (p.Asn195Ser)

Gene: SLC25A20 (solute carrier family 25 member 20; minus strand). Cytogenetic location: 3p21.31.
Variant type: single nucleotide variant.
Coding change: c.584A>G on transcript NM_000387.6 (MANE Select); coding-DNA position 584, A replaced by G.
Protein change: p.Asn195Ser; replaces asparagine 195 with serine.
Molecular consequence: missense variant.
Genome position (GRCh38, 1-based): chr3:48,859,579, T>C on the plus strand (A>G on the coding strand, the complement: SLC25A20 is on the minus strand). VCF-style: chr3-48859579-T-C. GRCh37 (hg19) VCF-style: chr3-48897012-T-C.
Other names: short protein forms N195S.
Identifiers: ClinVar variation 1412038 (VCV001412038.3), dbSNP rs957471249, ClinGen allele CA73981256.

ClinVar aggregate classification (germline): Uncertain significance (1 of 4 stars; one submission).

Conditions:
Carnitine acylcarnitine translocase deficiency (CACTD). Identifiers: Orphanet 159, MedGen C0342791, MONDO:0008918, OMIM 212138.

Allele frequency attached by ClinVar (database versions not stated): gnomAD 0.00001.
gnomAD v4.1: 1 of 1,613,830 alleles (0.000062%); highest among the groups gnomAD compares: Admixed American, 0.0017%; no homozygotes.

Submission:

Labcorp Genetics (formerly Invitae), Labcorp
Classification: Uncertain significance for Carnitine acylcarnitine translocase deficiency. Last evaluated: 2022-04-28. Review status: criteria provided, single submitter. Criteria: Invitae Variant Classification Sherloc (09022015). Collection method: clinical testing. Allele origin: germline.
Comment: This sequence change replaces asparagine, which is neutral and polar, with serine, which is neutral and polar, at codon 195 of the SLC25A20 protein (p.Asn195Ser). This variant is not present in population databases (gnomAD no frequency). This variant has not been reported in the literature in individuals affected with SLC25A20-related conditions. Algorithms developed to predict the effect of missense changes on protein structure and function (SIFT, PolyPhen-2, Align-GVGD) all suggest that this variant is likely to be tolerated. Algorithms developed to predict the effect of sequence changes on RNA splicing suggest that this variant may create or strengthen a splice site. In summary, the available evidence is currently insufficient to determine the role of this variant in disease. Therefore, it has been classified as a Variant of Uncertain Significance.